The following is an entry in ClinVar:

ClinVar aggregate classification (germline): Likely benign (1 of 4 stars; one submission).

Conditions:
Telangiectasia, hereditary hemorrhagic, type 1 (HHT1). Also called: Osler Weber Rendu syndrome type 1; ENG-Related Hereditary Hemorrhagic Telangiectasia. Identifiers: Orphanet 774, MedGen C4551861, MONDO:0008535, OMIM 187300. Disease mechanism: loss of function.

Allele frequency attached by ClinVar (database versions not stated): ESP Exome Variant Server 0.00011; gnomAD exomes 0.00036; gnomAD 0.00043 and 0.00046; TOPMed 0.00044; 1000 Genomes Project 0.00060; ExAC 0.00090; 1000 Genomes Project 30x 0.00094.
gnomAD v4.1: 310 of 1,548,468 alleles (0.02%); highest among the groups gnomAD compares: African/African-American, 0.13%; no homozygotes.

Submission:

Illumina Laboratory Services, Illumina
Classification: Likely benign for Telangiectasia, hereditary hemorrhagic, type 1. Last evaluated: 2018-01-13. Review status: criteria provided, single submitter. Criteria: ICSL Variant Classification Criteria 13 December 2019. Collection method: clinical testing. Allele origin: germline.
Comment: This variant was observed in the ICSL laboratory as part of a predisposition screen in an ostensibly healthy population. It had not been previously curated by ICSL or reported in the Human Gene Mutation Database (HGMD: prior to June 1st, 2018), and was therefore a candidate for classification through an automated scoring system. Utilizing variant allele frequency, disease prevalence and penetrance estimates, and inheritance mode, an automated score was calculated to assess if this variant is too frequent to cause the disease. Based on the score and internal cut-off values, a variant classified as likely benign is not then subjected to further curation. The score for this variant resulted in a classification of likely benign for this disease.

NM_001114753.3(ENG):c.1853-27C>T

Gene: ENG (endoglin; minus strand). Cytogenetic location: 9q34.11.
Variant type: single nucleotide variant.
Coding change: c.1853-27C>T on transcript NM_001114753.3 (MANE Select); 27 bases into the intron before coding-DNA position 1853, C replaced by T.
Molecular consequence: intron variant.
Genome position (GRCh38, 1-based): chr9:127,815,833, G>A on the plus strand (C>T on the coding strand, the complement: ENG is on the minus strand). VCF-style: chr9-127815833-G-A. GRCh37 (hg19) VCF-style: chr9-130578112-G-A.
Other names: c.*84C>T (NM_000118.4); c.1307-27C>T (NM_001278138.2).
Identifiers: ClinVar variation 914479 (VCV000914479.6), dbSNP rs376579767, ClinGen allele CA5252598.